The following is an entry in ClinVar:

NM_206926.2(SELENON):c.-10_135del (p.Met1fs)

Gene: SELENON (selenoprotein N; plus strand). Cytogenetic location: 1p36.11.
Variant type: Deletion.
Coding change: c.-10_135del on transcript NM_206926.2 (MANE Select); 10 bases upstream of the start codon through coding-DNA position 135, 145 bases deleted.
Protein change: p.Met1fs; shifts the reading frame from methionine 1.
Molecular consequence: frameshift variant, initiator codon variant.
Genome position (GRCh38, 1-based): chr1:25,800,221-25,800,365, 145 bases deleted. GRCh37 (hg19): chr1:26,126,712-26,126,856.
Other names: c.-10_135del, p.Met1fs (NM_020451.3); short protein forms M1fs.
Identifiers: ClinVar variation 2863453 (VCV002863453.3), dbSNP rs2524954100, ClinGen allele CA2739272425.

ClinVar aggregate classification (germline): Pathogenic (1 of 4 stars; one submission).

Conditions:
Eichsfeld type congenital muscular dystrophy (CMYO3). Also called: MYOPATHY, SEPN1-RELATED; Rigid spine muscular dystrophy 1; SELENON-related myopathy; Congenital myopathy 3 with rigid spine. Identifiers: MedGen C0410180, MONDO:0100100, OMIM 602771.

Submission:

Labcorp Genetics (formerly Invitae), Labcorp
Classification: Pathogenic for Eichsfeld type congenital muscular dystrophy. Last evaluated: 2023-12-11. Review status: criteria provided, single submitter. Criteria: Invitae Variant Classification Sherloc (09022015). Collection method: clinical testing. Allele origin: germline.
Comment: This sequence change affects the initiator methionine of the SELENON mRNA. The next in-frame methionine is located at codon 85. The frequency data for this variant in the population databases is considered unreliable, as metrics indicate insufficient coverage at this position in the gnomAD database. Disruption of the initiator codon has been observed in individuals with clinical features of SELENON-related conditions (PMID: 12192640, 23394784, 28558865). For these reasons, this variant has been classified as Pathogenic.

Literature cited by the submitters: PubMed 12192640; PubMed 23394784; PubMed 28558865.